The following is an entry in ClinVar:

NM_012238.5(SIRT1):c.2169T>A (p.Asp723Glu)

Gene: SIRT1 (sirtuin 1; plus strand). Cytogenetic location: 10q21.3.
Variant type: single nucleotide variant.
Coding change: c.2169T>A on transcript NM_012238.5 (MANE Select); coding-DNA position 2169, T replaced by A.
Protein change: p.Asp723Glu; replaces aspartic acid 723 with glutamic acid.
Molecular consequence: missense variant.
Genome position (GRCh38, 1-based): chr10:67,916,518, T>A. VCF-style: chr10-67916518-T-A. GRCh37 (hg19) VCF-style: chr10-69676275-T-A.
Other names: c.1260T>A, p.Asp420Glu (NM_001314049.2); c.1284T>A, p.Asp428Glu (NM_001142498.2); short protein forms D428E, D723E, D420E.
Identifiers: ClinVar variation 2998504 (VCV002998504.3), dbSNP rs775109357, ClinGen allele CA5521417.

ClinVar aggregate classification (germline): Uncertain significance (1 of 4 stars; one submission).

Allele frequency attached by ClinVar (database versions not stated): TOPMed below 0.00001; gnomAD exomes 0.00001; ExAC 0.00002.
gnomAD v4.1: 3 of 1,614,070 alleles (0.00019%); highest among the groups gnomAD compares: Admixed American, 0.0017%; no homozygotes.

Submission:

Labcorp Genetics (formerly Invitae), Labcorp
Classification: Uncertain significance. Last evaluated: 2023-10-27. Review status: criteria provided, single submitter. Criteria: Invitae Variant Classification Sherloc (09022015). Collection method: clinical testing. Allele origin: germline.
Comment: This sequence change replaces aspartic acid, which is acidic and polar, with glutamic acid, which is acidic and polar, at codon 723 of the SIRT1 protein (p.Asp723Glu). This variant is present in population databases (rs775109357, gnomAD 0.003%). This variant has not been reported in the literature in individuals affected with SIRT1-related conditions. Algorithms developed to predict the effect of missense changes on protein structure and function output the following: SIFT: "Not Available"; PolyPhen-2: "Benign"; Align-GVGD: "Not Available". The glutamic acid amino acid residue is found in multiple mammalian species, which suggests that this missense change does not adversely affect protein function. In summary, the available evidence is currently insufficient to determine the role of this variant in disease. Therefore, it has been classified as a Variant of Uncertain Significance.